The following is an entry in ClinVar:

NM_000548.5(TSC2):c.3301C>T (p.His1101Tyr)

Gene: TSC2 (TSC complex subunit 2; plus strand). Cytogenetic location: 16p13.3.
Variant type: single nucleotide variant.
Coding change: c.3301C>T on transcript NM_000548.5 (MANE Select); coding-DNA position 3301, C replaced by T.
Protein change: p.His1101Tyr; replaces histidine 1101 with tyrosine.
Molecular consequence: missense variant.
Genome position (GRCh38, 1-based): chr16:2,079,573, C>T. VCF-style: chr16-2079573-C-T. GRCh37 (hg19) VCF-style: chr16-2129574-C-T.
Other names: c.3169C>T, p.His1057Tyr (NM_001077183.3, NM_001370404.1); c.3301C>T, p.His1101Tyr (NM_001114382.3); c.3061C>T, p.His1021Tyr (NM_001318827.2); c.3025C>T, p.His1009Tyr (NM_001318829.2); c.2569C>T, p.His857Tyr (NM_001318831.2); c.3202C>T, p.His1068Tyr (NM_001318832.2); c.3172C>T, p.His1058Tyr (NM_001363528.2, NM_001370405.1, NM_021055.3); short protein forms H1101Y, H1057Y, H1058Y, H1068Y, H1009Y, H857Y, H1021Y.
Identifiers: ClinVar variation 406005 (VCV000406005.12), dbSNP rs1060500933, ClinGen allele CA16615107.

ClinVar aggregate classification (germline): Uncertain significance. Review status: criteria provided, multiple submitters, no conflicts (2 of 4 stars). 3 submissions from 3 submitters: Uncertain significance (3). Last evaluated 2025-06-08.

Conditions:
Hereditary cancer-predisposing syndrome. Also called: Tumor predisposition; Neoplastic Syndromes, Hereditary; Hereditary Cancer Syndrome; Hereditary neoplastic syndrome. Identifiers: Orphanet 140162, MedGen C0027672, MeSH D009386, MONDO:0015356.
Tuberous sclerosis syndrome (TSC). Also called: Tuberous Sclerosis Complex; Tuberous sclerosis. Identifiers: Orphanet 805, MedGen C0041341, MONDO:0001734.
Tuberous sclerosis 2 (TSC2). Identifiers: Orphanet 805, MedGen C1860707, MONDO:0013199, OMIM 613254.

Allele frequency attached by ClinVar (database versions not stated): gnomAD exomes below 0.00001; TOPMed below 0.00001; gnomAD 0.00001.
gnomAD v4.1: 2 of 1,611,032 alleles (0.00012%); highest among the groups gnomAD compares: African/African-American, 0.0027%; no homozygotes.

Submissions (3):

Labcorp Genetics (formerly Invitae), Labcorp
Classification: Uncertain significance for Tuberous sclerosis 2. Last evaluated: 2025-06-08. Review status: criteria provided, single submitter. Criteria: Invitae Variant Classification Sherloc (09022015). Collection method: clinical testing. Allele origin: germline.
Comment: This sequence change replaces histidine, which is basic and polar, with tyrosine, which is neutral and polar, at codon 1101 of the TSC2 protein (p.His1101Tyr). This variant is not present in population databases (gnomAD no frequency). This variant has not been reported in the literature in individuals affected with TSC2-related conditions. ClinVar contains an entry for this variant (Variation ID: 406005). Invitae Evidence Modeling of protein sequence and biophysical properties (such as structural, functional, and spatial information, amino acid conservation, physicochemical variation, residue mobility, and thermodynamic stability) indicates that this missense variant is not expected to disrupt TSC2 protein function with a negative predictive value of 95%. In summary, the available evidence is currently insufficient to determine the role of this variant in disease. Therefore, it has been classified as a Variant of Uncertain Significance.

Ambry Genetics
Classification: Uncertain significance for Hereditary cancer-predisposing syndrome. Last evaluated: 2024-09-18. Review status: criteria provided, single submitter. Criteria: Ambry Variant Classification Scheme 2023. Collection method: clinical testing. Allele origin: germline.
Comment: The p.H1101Y variant (also known as c.3301C>T), located in coding exon 28 of the TSC2 gene, results from a C to T substitution at nucleotide position 3301. The histidine at codon 1101 is replaced by tyrosine, an amino acid with similar properties. This amino acid position is conserved. In addition, the in silico prediction for this alteration is inconclusive. Based on the available evidence, the clinical significance of this variant remains unclear.

All of Us Research Program, National Institutes of Health
Classification: Uncertain significance for Tuberous sclerosis syndrome. Last evaluated: 2023-08-15. Review status: criteria provided, single submitter. Criteria: ACMG Guidelines, 2015. Collection method: clinical testing. Allele origin: germline. Inheritance: Autosomal dominant inheritance. Observed: 1 variant allele, 1 heterozygote.
Comment: This study involves interpretation of variants in research participants for the purpose of population health screening. Participant phenotype was not available at the time of variant classification. Additional details can be found in publication PMID: 35346344, PMCID: PMC8962531